The following is an entry in ClinVar:

ClinVar aggregate classification (germline): Uncertain significance (1 of 4 stars; one submission).

Conditions:
Werner syndrome (WRN). Identifiers: Orphanet 902, MedGen C0043119, MONDO:0010196, OMIM 277700.

Submission:

Labcorp Genetics (formerly Invitae), Labcorp
Classification: Uncertain significance for Werner syndrome. Last evaluated: 2024-08-01. Review status: criteria provided, single submitter. Criteria: Invitae Variant Classification Sherloc (09022015). Collection method: clinical testing. Allele origin: germline.
Comment: This sequence change replaces cysteine, which is neutral and slightly polar, with tyrosine, which is neutral and polar, at codon 494 of the WRN protein (p.Cys494Tyr). This variant is not present in population databases (gnomAD no frequency). This variant has not been reported in the literature in individuals affected with WRN-related conditions. An algorithm developed to predict the effect of missense changes on protein structure and function outputs the following: PolyPhen-2: "Benign". The tyrosine amino acid residue is found in multiple mammalian species, which suggests that this missense change does not adversely affect protein function. In summary, the available evidence is currently insufficient to determine the role of this variant in disease. Therefore, it has been classified as a Variant of Uncertain Significance.

NM_000553.6(WRN):c.1481G>A (p.Cys494Tyr)

Gene: WRN (WRN RecQ like helicase; plus strand). Cytogenetic location: 8p12.
Variant type: single nucleotide variant.
Coding change: c.1481G>A on transcript NM_000553.6 (MANE Select); coding-DNA position 1481, G replaced by A.
Protein change: p.Cys494Tyr; replaces cysteine 494 with tyrosine.
Molecular consequence: missense variant.
Genome position (GRCh38, 1-based): chr8:31,087,825, G>A. VCF-style: chr8-31087825-G-A. GRCh37 (hg19) VCF-style: chr8-30945341-G-A.
Other names: short protein forms C494Y.
Identifiers: ClinVar variation 3691583 (VCV003691583.2).